The following is an entry in ClinVar:

ClinVar aggregate classification (germline): Likely benign. Review status: criteria provided, single submitter (1 of 4 stars). 2 submissions from 2 submitters: Likely benign (1). 1 of the submissions does not count toward it. Last evaluated 2024-10-25.

Conditions:
TMEM132E-related disorder. Also called: TMEM132E-related condition.

Allele frequency attached by ClinVar (database versions not stated): TOPMed 0.00003; gnomAD 0.00015; 1000 Genomes Project 30x 0.00219; 1000 Genomes Project 0.00260; ExAC 0.00298.
gnomAD v4.1: 450 of 1,539,774 alleles (0.029%); highest among the groups gnomAD compares: South Asian, 0.5%; 3 homozygotes.

Submissions (2):

Blueprint Genetics
Classification: Likely benign. Last evaluated: 2024-10-25. Review status: criteria provided, single submitter. Criteria: ACMG Guidelines, 2015. Collection method: clinical testing. Allele origin: germline.

PreventionGenetics, part of Exact Sciences
Classification: Likely benign for TMEM132E-related condition. Last evaluated: 2019-06-05. Review status: no assertion criteria provided. Collection method: clinical testing. Allele origin: germline. Not counted in ClinVar's aggregate classification.
Comment: This variant is classified as likely benign based on ACMG/AMP sequence variant interpretation guidelines (Richards et al. 2015 PMID: 25741868, with internal and published modifications).

NM_001304438.2(TMEM132E):c.759G>A (p.Gly253=)

Gene: TMEM132E (transmembrane protein 132E; plus strand). Cytogenetic location: 17q12.
Variant type: single nucleotide variant.
Coding change: c.759G>A on transcript NM_001304438.2 (MANE Select); coding-DNA position 759, G replaced by A.
Protein change: p.Gly253=; no amino-acid change (glycine 253 retained).
Molecular consequence: synonymous variant.
Genome position (GRCh38, 1-based): chr17:34,626,818, G>A. VCF-style: chr17-34626818-G-A. GRCh37 (hg19) VCF-style: chr17-32953837-G-A.
Identifiers: ClinVar variation 3044734 (VCV003044734.3), dbSNP rs376714451, ClinGen allele CA8496467.